The following is an entry in ClinVar:

NM_032776.3(JMJD1C):c.1996C>A (p.Gln666Lys)

Gene: JMJD1C (jumonji domain containing 1C; minus strand). Cytogenetic location: 10q21.3.
Variant type: single nucleotide variant.
Coding change: c.1996C>A on transcript NM_032776.3 (MANE Select); coding-DNA position 1996, C replaced by A.
Protein change: p.Gln666Lys; replaces glutamine 666 with lysine.
Molecular consequence: missense variant. On other transcripts: non-coding transcript variant (1).
Genome position (GRCh38, 1-based): chr10:63,214,171, G>T on the plus strand (C>A on the coding strand, the complement: JMJD1C is on the minus strand). VCF-style: chr10-63214171-G-T. GRCh37 (hg19) VCF-style: chr10-64973931-G-T.
Other names: c.1996C>A (NM_032776.2); c.1450C>A, p.Gln484Lys (NM_001282948.2, NM_001318154.2); c.1132C>A, p.Gln378Lys (NM_001318153.2); c.1882C>A, p.Gln628Lys (NM_001322252.2); c.1339C>A, p.Gln447Lys (NM_001322254.2, NM_001322258.2); short protein forms Q447K, Q628K, Q666K, Q378K, Q484K.
Identifiers: ClinVar variation 4089334 (VCV004089334.2).
Genomic context (GRCh38, chr10:63,214,171, plus strand): 5'-AACTGCATCTTGATAGCTCATGTTCTATCTTATTTGCCAATCTTCTTTCACCAGTAGCTT[G>T]GCTGTTCACATAAGTGGCCTTAGACTTTACAGAATCAGGAGAATGAGTTATTTTGGGTTT-3'
Protein context (NP_116165.1, residues 656-676): VKSKATYVNS[Gln666Lys]ATGERRLANK

ClinVar aggregate classification (germline): Uncertain significance. Review status: criteria provided, multiple submitters, no conflicts (2 of 4 stars). 2 submissions from 2 submitters: Uncertain significance (2). Last evaluated 2026-04-19.

Conditions:
JMJD1C-related disorder. Also called: JMJD1C-related condition.

Submissions (2):

PreventionGenetics, part of Exact Sciences
Classification: Uncertain significance for JMJD1C-related condition. Last evaluated: 2026-04-19. Review status: criteria provided, single submitter. Criteria: ACMG Guidelines, 2015. Collection method: clinical testing. Allele origin: germline.
Comment: The JMJD1C c.1996C>A variant is predicted to result in the amino acid substitution p.Gln666Lys. To our knowledge, this variant has not been reported in the literature or in a large population database (gnomAD), indicating this variant is rare. At this time, the clinical significance of this variant is uncertain due to the absence of conclusive functional and genetic evidence.

Ambry Genetics
Classification: Uncertain significance. Last evaluated: 2025-08-31. Review status: criteria provided, single submitter. Criteria: Ambry Variant Classification Scheme 2023. Collection method: clinical testing. Allele origin: germline.